The following is an entry in ClinVar:

NM_001394372.1(BICRA):c.1931C>T (p.Ala644Val)

Gene: BICRA (BRD4 interacting chromatin remodeling complex associated protein; plus strand). Cytogenetic location: 19q13.33.
Variant type: single nucleotide variant.
Coding change: c.1931C>T on transcript NM_001394372.1 (MANE Select); coding-DNA position 1931, C replaced by T.
Protein change: p.Ala644Val; replaces alanine 644 with valine.
Molecular consequence: missense variant.
Genome position (GRCh38, 1-based): chr19:47,681,101, C>T. VCF-style: chr19-47681101-C-T. GRCh37 (hg19) VCF-style: chr19-48184358-C-T.
Other names: c.1931C>T, p.Ala644Val (NM_015711.3); short protein forms A644V.
Identifiers: ClinVar variation 3905554 (VCV003905554.10).

ClinVar aggregate classification (germline): Uncertain significance (1 of 4 stars; one submission).

Submission:

CeGaT Center for Human Genetics Tuebingen
Classification: Uncertain significance. Last evaluated: 2025-06-01. Review status: criteria provided, single submitter. Criteria: CeGaT Center For Human Genetics Tuebingen Variant Classification Criteria Version 2. Collection method: clinical testing. Allele origin: germline. Affected: yes. Observed: 1 variant allele.
Comment: BICRA: PM2